The following is an entry in ClinVar:

NM_006329.4(FBLN5):c.707A>T (p.Tyr236Phe)

Gene: FBLN5 (fibulin 5; minus strand). Cytogenetic location: 14q32.12.
Variant type: single nucleotide variant.
Coding change: c.707A>T on transcript NM_006329.4 (MANE Select); coding-DNA position 707, A replaced by T.
Protein change: p.Tyr236Phe; replaces tyrosine 236 with phenylalanine.
Molecular consequence: missense variant.
Genome position (GRCh38, 1-based): chr14:91,887,225, T>A on the plus strand (A>T on the coding strand, the complement: FBLN5 is on the minus strand). VCF-style: chr14-91887225-T-A. GRCh37 (hg19) VCF-style: chr14-92353569-T-A.
Other names: c.830A>T, p.Tyr277Phe (NM_001384158.1); c.758A>T, p.Tyr253Phe (NM_001384159.1); c.707A>T, p.Tyr236Phe (NM_001384160.1); c.539A>T, p.Tyr180Phe (NM_001384161.1, NM_001384162.1); short protein forms Y236F, Y253F, Y180F, Y277F.
Identifiers: ClinVar variation 1470256 (VCV001470256.6), dbSNP rs1490601131, ClinGen allele CA390642597.
Genomic context (GRCh38, chr14:91,887,225, plus strand): 5'-GGAAGTTTCCAATGCGAAAGCCCATTACCACTGCAATGAACGCCATCTTCCTCAAGTTCA[T>A]ATCCTGGGTCACAGCGGCAGATGAAAGAGCCGTAGGTGTTGACGCAGGTTTGCACGCAGG-3'
Protein context (NP_006320.2, residues 226-246): GSFICRCDPG[Tyr236Phe]ELEEDGVHCS

ClinVar aggregate classification (germline): Uncertain significance (1 of 4 stars; one submission).

Allele frequency attached by ClinVar (database versions not stated): gnomAD exomes 0.00001.
gnomAD v4.1: 7 of 1,613,372 alleles (0.00043%); highest among the groups gnomAD compares: Non-Finnish European, 0.00059%; no homozygotes.

Submission:

Labcorp Genetics (formerly Invitae), Labcorp
Classification: Uncertain significance. Last evaluated: 2022-08-27. Review status: criteria provided, single submitter. Criteria: Invitae Variant Classification Sherloc (09022015). Collection method: clinical testing. Allele origin: germline.
Comment: This sequence change replaces tyrosine, which is neutral and polar, with phenylalanine, which is neutral and non-polar, at codon 236 of the FBLN5 protein (p.Tyr236Phe). This variant is present in population databases (no rsID available, gnomAD 0.003%). This variant has not been reported in the literature in individuals affected with FBLN5-related conditions. ClinVar contains an entry for this variant (Variation ID: 1470256). Algorithms developed to predict the effect of missense changes on protein structure and function (SIFT, PolyPhen-2, Align-GVGD) all suggest that this variant is likely to be tolerated. In summary, the available evidence is currently insufficient to determine the role of this variant in disease. Therefore, it has been classified as a Variant of Uncertain Significance.